The following is an entry in ClinVar:

NM_032634.4(PIGO):c.325A>T (p.Arg109Trp)

Gene: PIGO (phosphatidylinositol glycan anchor biosynthesis class O; minus strand). Cytogenetic location: 9p13.3.
Variant type: single nucleotide variant.
Coding change: c.325A>T on transcript NM_032634.4 (MANE Select); coding-DNA position 325, A replaced by T.
Protein change: p.Arg109Trp; replaces arginine 109 with tryptophan.
Molecular consequence: missense variant.
Genome position (GRCh38, 1-based): chr9:35,095,241, T>A on the plus strand (A>T on the coding strand, the complement: PIGO is on the minus strand). VCF-style: chr9-35095241-T-A. GRCh37 (hg19) VCF-style: chr9-35095238-T-A.
Other names: c.325A>T, p.Arg109Trp (NM_001201484.2, NM_152850.4); short protein forms R109W.
Identifiers: ClinVar variation 1034436 (VCV001034436.4), dbSNP rs144631345, ClinGen allele CA5040971.

ClinVar aggregate classification (germline): Uncertain significance (1 of 4 stars; one submission).

Conditions:
Hyperphosphatasia with impaired intellectual development syndrome 2. Also called: Hyperphosphatasia with intellectual disability syndrome 2; GLYCOSYLPHOSPHATIDYLINOSITOL BIOSYNTHESIS DEFECT 6. Identifiers: Orphanet 247262, MedGen C3553637, MONDO:0013882, OMIM 614749.

Allele frequency attached by ClinVar (database versions not stated): gnomAD 0.00003 and 0.00004; TOPMed 0.00004; ESP Exome Variant Server 0.00015.
gnomAD v4.1: 24 of 1,613,978 alleles (0.0015%); highest among the groups gnomAD compares: Non-Finnish European, 0.0019%; no homozygotes.

Submission:

Labcorp Genetics (formerly Invitae), Labcorp
Classification: Uncertain significance for Hyperphosphatasia with impaired intellectual development syndrome 2. Last evaluated: 2023-08-30. Review status: criteria provided, single submitter. Criteria: Invitae Variant Classification Sherloc (09022015). Collection method: clinical testing. Allele origin: germline.
Comment: In summary, the available evidence is currently insufficient to determine the role of this variant in disease. Therefore, it has been classified as a Variant of Uncertain Significance. Advanced modeling of protein sequence and biophysical properties (such as structural, functional, and spatial information, amino acid conservation, physicochemical variation, residue mobility, and thermodynamic stability) performed at Invitae indicates that this missense variant is not expected to disrupt PIGO protein function. ClinVar contains an entry for this variant (Variation ID: 1034436). This variant has not been reported in the literature in individuals affected with PIGO-related conditions. This variant is present in population databases (rs144631345, gnomAD 0.003%). This sequence change replaces arginine, which is basic and polar, with tryptophan, which is neutral and slightly polar, at codon 109 of the PIGO protein (p.Arg109Trp).